The following is an entry in ClinVar:

NM_020911.2(PLXNA4):c.1371+4449C>G

Gene: PLXNA4 (plexin A4; minus strand). Cytogenetic location: 7q32.3.
Variant type: single nucleotide variant.
Coding change: c.1371+4449C>G on transcript NM_020911.2 (MANE Select); 4449 bases into the intron after coding-DNA position 1371, C replaced by G.
Molecular consequence: intron variant. On other transcripts: missense variant (1).
Genome position (GRCh38, 1-based): chr7:132,484,843, G>C on the plus strand (C>G on the coding strand, the complement: PLXNA4 is on the minus strand). VCF-style: chr7-132484843-G-C. GRCh37 (hg19) VCF-style: chr7-132169602-G-C.
Other names: c.1542C>G, p.Phe514Leu (NM_181775.4); c.1371+4449C>G (NM_001393897.1, NM_001105543.2); short protein forms F514L.
Identifiers: ClinVar variation 3344539 (VCV003344539.1).

ClinVar aggregate classification (germline): Uncertain significance (0 of 4 stars; one submission).

Conditions:
PLXNA4-related disorder. Also called: PLXNA4-related condition.

gnomAD v4.1: 2 of 1,614,098 alleles (0.00012%); highest among the groups gnomAD compares: Non-Finnish European, 0.00017%; no homozygotes.

Submission:

PreventionGenetics, part of Exact Sciences
Classification: Uncertain significance for PLXNA4-related condition. Last evaluated: 2024-09-23. Review status: no assertion criteria provided. Collection method: clinical testing. Allele origin: germline.
Comment: The PLXNA4 c.1542C>G variant is predicted to result in the amino acid substitution p.Phe514Leu. To our knowledge, this variant has not been reported in the literature. This variant is reported in 0.00088% of alleles in individuals of European (Non-Finnish) descent in gnomAD. At this time, the clinical significance of this variant is uncertain due to the absence of conclusive functional and genetic evidence.